The following is an entry in ClinVar:

NM_000444.6(PHEX):c.1133T>C (p.Leu378Pro)

Gene: PHEX (phosphate regulating endopeptidase X-linked; plus strand). Cytogenetic location: Xp22.11.
Variant type: single nucleotide variant.
Coding change: c.1133T>C on transcript NM_000444.6 (MANE Select); coding-DNA position 1133, T replaced by C.
Protein change: p.Leu378Pro; replaces leucine 378 with proline.
Molecular consequence: missense variant.
Genome position (GRCh38, 1-based): chrX:22,111,520, T>C. VCF-style: chrX-22111520-T-C. GRCh37 (hg19) VCF-style: chrX-22129638-T-C.
Other names: c.1133T>C, p.Leu378Pro (NM_001282754.2); short protein forms L378P.
Identifiers: ClinVar variation 1039337 (VCV001039337.8), dbSNP rs1930965902, ClinGen allele CA412573194.

ClinVar aggregate classification (germline): Likely pathogenic (1 of 4 stars; one submission).

Submission:

Labcorp Genetics (formerly Invitae), Labcorp
Classification: Likely pathogenic. Last evaluated: 2022-11-29. Review status: criteria provided, single submitter. Criteria: Invitae Variant Classification Sherloc (09022015). Collection method: clinical testing. Allele origin: germline.
Comment: In summary, the currently available evidence indicates that the variant is pathogenic, but additional data are needed to prove that conclusively. Therefore, this variant has been classified as Likely Pathogenic. Advanced modeling of protein sequence and biophysical properties (such as structural, functional, and spatial information, amino acid conservation, physicochemical variation, residue mobility, and thermodynamic stability) performed at Invitae indicates that this missense variant is expected to disrupt PHEX protein function. ClinVar contains an entry for this variant (Variation ID: 1039337). This missense change has been observed in individuals with hypophosphatemia (PMID: 11502829; Invitae). This variant is not present in population databases (gnomAD no frequency). This sequence change replaces leucine, which is neutral and non-polar, with proline, which is neutral and non-polar, at codon 378 of the PHEX protein (p.Leu378Pro).

Literature cited by the submitters: PubMed 11502829.